The following is an entry in ClinVar:

NM_000540.3(RYR1):c.162G>C (p.Ala54=)

Gene: RYR1 (ryanodine receptor 1; plus strand). Cytogenetic location: 19q13.2.
Variant type: single nucleotide variant.
Coding change: c.162G>C on transcript NM_000540.3 (MANE Select); coding-DNA position 162, G replaced by C.
Protein change: p.Ala54=; no amino-acid change (alanine 54 retained).
Molecular consequence: synonymous variant.
Genome position (GRCh38, 1-based): chr19:38,440,861, G>C. VCF-style: chr19-38440861-G-C. GRCh37 (hg19) VCF-style: chr19-38931501-G-C.
Other names: c.162G>C, p.Ala54= (NM_001042723.2).
Identifiers: ClinVar variation 3074274 (VCV003074274.1), dbSNP rs769042961, ClinGen allele CA507238639.
Genomic context (GRCh38, chr19:38,440,861, plus strand): 5'-CTGCCTGGCCGCCGAGGGCTTCGGCAACCGCCTGTGCTTCCTGGAGCCCACTAGCAACGC[G>C]CAGGTCTGTGCAGGAGGGAGAGGGGCCTGGGGACAGGGGCGTCTGAAGGGGCAGAGAATC-3'
Protein context (NP_000531.2, residues 44-64): RLCFLEPTSN[Ala54=]QNVPPDLAIC

ClinVar aggregate classification (germline): Likely benign (1 of 4 stars; one submission).

Conditions:
Malignant hyperthermia, susceptibility to, 1 (MHS1). Also called: Anesthesia related hyperthermia; Malignant hyperpyrexia; Fulminating hyperpyrexia; Pharmacogenic myopathy; RYR1-Related Malignant Hyperthermia Susceptibility; Malignant hyperthermia suceptibility 1. Identifiers: Orphanet 423, MedGen C2930980, MONDO:0007783, OMIM 145600.

Submission:

All of Us Research Program, National Institutes of Health
Classification: Likely benign for Malignant hyperthermia, susceptibility to, 1. Last evaluated: 2023-11-02. Review status: criteria provided, single submitter. Criteria: ACMG Guidelines, 2015. Collection method: clinical testing. Allele origin: germline. Inheritance: Autosomal dominant inheritance. Observed: 1 variant allele, 1 heterozygote.
Comment: This study involves interpretation of variants in research participants for the purpose of population health screening. Participant phenotype was not available at the time of variant classification. Additional details can be found in publication PMID: 35346344, PMCID: PMC8962531